The following is an entry in ClinVar:

ClinVar aggregate classification (germline): Uncertain significance (1 of 4 stars; one submission).

Conditions:
Hereditary breast ovarian cancer syndrome. Also called: Hereditary breast and ovarian cancer syndrome; Hereditary breast and ovarian cancer syndrome (HBOC); BRCA1- and BRCA2-Associated Hereditary Breast and Ovarian Cancer; Hereditary breast and ovarian cancer; Breast and ovarian cancer; Hereditary breast and/or ovarian cancer syndrome. Identifiers: Orphanet 145, MedGen C0677776, MeSH D061325, MONDO:0003582. Disease mechanism: loss of function.

Submission:

Labcorp Genetics (formerly Invitae), Labcorp
Classification: Uncertain significance for Hereditary breast ovarian cancer syndrome. Last evaluated: 2024-10-29. Review status: criteria provided, single submitter. Criteria: Invitae Variant Classification Sherloc (09022015). Collection method: clinical testing. Allele origin: germline.
Comment: This sequence change replaces alanine, which is neutral and non-polar, with valine, which is neutral and non-polar, at codon 186 of the BRCA2 protein (p.Ala186Val). This variant is not present in population databases (gnomAD no frequency). This variant has not been reported in the literature in individuals affected with BRCA2-related conditions. Invitae Evidence Modeling of protein sequence and biophysical properties (such as structural, functional, and spatial information, amino acid conservation, physicochemical variation, residue mobility, and thermodynamic stability) indicates that this missense variant is not expected to disrupt BRCA2 protein function with a negative predictive value of 95%. In summary, the available evidence is currently insufficient to determine the role of this variant in disease. Therefore, it has been classified as a Variant of Uncertain Significance.

NM_000059.4(BRCA2):c.557C>T (p.Ala186Val)

Gene: BRCA2 (BRCA2 DNA repair associated; plus strand). Cytogenetic location: 13q13.1.
Variant type: single nucleotide variant.
Coding change: c.557C>T on transcript NM_000059.4 (MANE Select); coding-DNA position 557, C replaced by T.
Protein change: p.Ala186Val; replaces alanine 186 with valine.
Molecular consequence: missense variant. On other transcripts: non-coding transcript variant (1).
Genome position (GRCh38, 1-based): chr13:32,326,539, C>T. VCF-style: chr13-32326539-C-T. GRCh37 (hg19) VCF-style: chr13-32900676-C-T.
Other names: c.557C>T, p.Ala186Val (NM_001406719.1, NM_001406720.1, NM_001406721.1 and 1 more transcripts); c.188C>T, p.Ala63Val (NM_001406722.1); short protein forms A186V, A63V.
Identifiers: ClinVar variation 3636412 (VCV003636412.2).